The following is an entry in ClinVar:

ClinVar aggregate classification (germline): Uncertain significance. Review status: criteria provided, single submitter (1 of 4 stars). 2 submissions from 2 submitters: Uncertain significance (1). 1 of the submissions does not count toward it. Last evaluated 2021-09-01.

Conditions:
Polyglandular autoimmune syndrome, type 1 (APS1). Also called: APS I; Autoimmune polyendocrinopathy syndrome, type I; Whitaker syndrome; AUTOIMMUNE POLYENDOCRINE SYNDROME, TYPE I, WITH OR WITHOUT REVERSIBLE METAPHYSEAL DYSPLASIA; Autoimmune polyendocrine syndrome type 1; HYPOADRENOCORTICISM WITH HYPOPARATHYROIDISM AND SUPERFICIAL MONILIASIS. Identifiers: Orphanet 3453, MedGen C0085859, MONDO:0009411, OMIM 240300.

Allele frequency attached by ClinVar (database versions not stated): gnomAD exomes 0.00001 and 0.00003; ExAC 0.00004.

Submissions (2):

Labcorp Genetics (formerly Invitae), Labcorp
Classification: Uncertain significance for Polyglandular autoimmune syndrome, type 1. Last evaluated: 2021-09-01. Review status: criteria provided, single submitter. Criteria: Invitae Variant Classification Sherloc (09022015). Collection method: clinical testing. Allele origin: germline.
Comment: This sequence change replaces leucine with proline at codon 291 of the AIRE protein (p.Leu291Pro). The leucine residue is moderately conserved and there is a moderate physicochemical difference between leucine and proline. This variant is present in population databases (rs767272852, ExAC 0.02%). This variant has not been reported in the literature in individuals affected with AIRE-related conditions. Algorithms developed to predict the effect of missense changes on protein structure and function output the following: SIFT: "Tolerated"; PolyPhen-2: "Benign"; Align-GVGD: "Class C0". The proline amino acid residue is found in multiple mammalian species, which suggests that this missense change does not adversely affect protein function. In summary, the available evidence is currently insufficient to determine the role of this variant in disease. Therefore, it has been classified as a Variant of Uncertain Significance.

Natera, Inc.
Classification: Uncertain significance for Polyglandular autoimmune syndrome type 1. Last evaluated: 2021-05-14. Review status: no assertion criteria provided. Collection method: clinical testing. Allele origin: germline. Not counted in ClinVar's aggregate classification.

NM_000383.4(AIRE):c.872T>C (p.Leu291Pro)

Gene: AIRE (autoimmune regulator; plus strand). Cytogenetic location: 21q22.3.
Variant type: single nucleotide variant.
Coding change: c.872T>C on transcript NM_000383.4 (MANE Select); coding-DNA position 872, T replaced by C.
Protein change: p.Leu291Pro; replaces leucine 291 with proline.
Molecular consequence: missense variant.
Genome position (GRCh38, 1-based): chr21:44,290,061, T>C. VCF-style: chr21-44290061-T-C. GRCh37 (hg19) VCF-style: chr21-45709944-T-C.
Other names: short protein forms L291P.
Identifiers: ClinVar variation 1011441 (VCV001011441.9), dbSNP rs767272852, ClinGen allele CA10051755.